The following is an entry in ClinVar:

NM_004006.3(DMD):c.3066T>C (p.Phe1022=)

Gene: DMD (dystrophin; minus strand). Cytogenetic location: Xp21.1.
Variant type: single nucleotide variant.
Coding change: c.3066T>C on transcript NM_004006.3 (MANE Select); coding-DNA position 3066, T replaced by C.
Protein change: p.Phe1022=; no amino-acid change (phenylalanine 1022 retained).
Molecular consequence: synonymous variant.
Genome position (GRCh38, 1-based): chrX:32,468,594, A>G on the plus strand (T>C on the coding strand, the complement: DMD is on the minus strand). VCF-style: chrX-32468594-A-G. GRCh37 (hg19) VCF-style: chrX-32486711-A-G.
Other names: c.3042T>C, p.Phe1014= (NM_000109.4); c.3054T>C, p.Phe1018= (NM_004009.3); c.2697T>C, p.Phe899= (NM_004010.3); c.3066T>C (NM_004006.2).
Identifiers: ClinVar variation 1109223 (VCV001109223.12), dbSNP rs2040297276, ClinGen allele CA515715921.

ClinVar aggregate classification (germline): Likely benign. Review status: criteria provided, multiple submitters, no conflicts (2 of 4 stars). 3 submissions from 3 submitters: Likely benign (3). Last evaluated 2025-05-21.

Conditions:
Cardiovascular phenotype. Identifiers: MedGen CN230736.
DMD-related disorder. Also called: DMD-related condition.
Duchenne muscular dystrophy (DMD). Also called: MUSCULAR DYSTROPHY, PSEUDOHYPERTROPHIC PROGRESSIVE, DUCHENNE TYPE; Duchenne Muscular Dystrophy (DMD). Identifiers: Orphanet 98896, MedGen C0013264, MONDO:0010679, OMIM 310200.

Submissions (3):

PreventionGenetics, part of Exact Sciences
Classification: Likely benign for DMD-related condition. Last evaluated: 2025-05-21. Review status: criteria provided, single submitter. Criteria: ACMG Guidelines, 2015. Collection method: clinical testing. Allele origin: germline.
Comment: This variant is classified as likely benign based on ACMG/AMP sequence variant interpretation guidelines (Richards et al. 2015 PMID: 25741868, with internal and published modifications).

Ambry Genetics
Classification: Likely benign for Cardiovascular phenotype. Last evaluated: 2023-04-06. Review status: criteria provided, single submitter. Criteria: Ambry Variant Classification Scheme 2023. Collection method: clinical testing. Allele origin: germline.

Labcorp Genetics (formerly Invitae), Labcorp
Classification: Likely benign for Duchenne muscular dystrophy. Last evaluated: 2022-03-23. Review status: criteria provided, single submitter. Criteria: Invitae Variant Classification Sherloc (09022015). Collection method: clinical testing. Allele origin: germline.